The following is an entry in ClinVar:

ClinVar aggregate classification (germline): Likely benign. Review status: criteria provided, multiple submitters, no conflicts (2 of 4 stars). 3 submissions from 3 submitters: Likely benign (3). Last evaluated 2026-01-01.

Conditions:
AARS1-related disorder. Also called: AARS1-related condition.
Charcot-Marie-Tooth disease type 2. Also called: Charcot-Marie-Tooth type 2. Identifiers: Orphanet 64746, MedGen C0270914, MONDO:0018993.

Allele frequency attached by ClinVar (database versions not stated): gnomAD exomes 0.00001 and 0.00003; TOPMed 0.00005; gnomAD 0.00006.
gnomAD v4.1: 47 of 1,613,638 alleles (0.0029%); highest among the groups gnomAD compares: Middle Eastern, 0.016%; no homozygotes.

Submissions (3):

CeGaT Center for Human Genetics Tuebingen
Classification: Likely benign. Last evaluated: 2026-01-01. Review status: criteria provided, single submitter. Criteria: CeGaT Center For Human Genetics Tuebingen Variant Classification Criteria Version 2. Collection method: clinical testing. Allele origin: germline. Affected: yes. Observed: 1 variant allele.
Comment: AARS1: BP4, BP7

PreventionGenetics, part of Exact Sciences
Classification: Likely benign for AARS1-related condition. Last evaluated: 2025-12-31. Review status: criteria provided, single submitter. Criteria: ACMG Guidelines, 2015. Collection method: clinical testing. Allele origin: germline.
Comment: This variant is classified as likely benign based on ACMG/AMP sequence variant interpretation guidelines (Richards et al. 2015 PMID: 25741868, with internal and published modifications).

Labcorp Genetics (formerly Invitae), Labcorp
Classification: Likely benign for Charcot-Marie-Tooth disease type 2. Last evaluated: 2025-05-01. Review status: criteria provided, single submitter. Criteria: Invitae Variant Classification Sherloc (09022015). Collection method: clinical testing. Allele origin: germline.

NM_001605.3(AARS1):c.1344C>T (p.Ala448=)

Gene: AARS1 (alanyl-tRNA synthetase 1; minus strand). Cytogenetic location: 16q22.1.
Variant type: single nucleotide variant.
Coding change: c.1344C>T on transcript NM_001605.3 (MANE Select); coding-DNA position 1344, C replaced by T.
Protein change: p.Ala448=; no amino-acid change (alanine 448 retained).
Molecular consequence: synonymous variant.
Genome position (GRCh38, 1-based): chr16:70,265,541, G>A on the plus strand (C>T on the coding strand, the complement: AARS1 is on the minus strand). VCF-style: chr16-70265541-G-A. GRCh37 (hg19) VCF-style: chr16-70299444-G-A.
Identifiers: ClinVar variation 699916 (VCV000699916.14), dbSNP rs920455151, ClinGen allele CA283436030.